The following is an entry in ClinVar:

NM_032119.4(ADGRV1):c.17832G>T (p.Met5944Ile)

Gene: ADGRV1 (adhesion G protein-coupled receptor V1; plus strand). Cytogenetic location: 5q14.3.
Variant type: single nucleotide variant.
Coding change: c.17832G>T on transcript NM_032119.4 (MANE Select); coding-DNA position 17832, G replaced by T.
Protein change: p.Met5944Ile; replaces methionine 5944 with isoleucine.
Molecular consequence: missense variant. On other transcripts: non-coding transcript variant (1).
Genome position (GRCh38, 1-based): chr5:90,863,833, G>T. VCF-style: chr5-90863833-G-T. GRCh37 (hg19) VCF-style: chr5-90159650-G-T.
Other names: c.17832G>T (NM_032119.3); short protein forms M5944I.
Identifiers: ClinVar variation 2973554 (VCV002973554.4), dbSNP rs764231534, ClinGen allele CA3342465.

ClinVar aggregate classification (germline): Conflicting classifications of pathogenicity. Review status: criteria provided, conflicting classifications (1 of 4 stars). 2 submissions from 2 submitters: Uncertain significance (1); Benign (1). Last evaluated 2024-12-26.

Allele frequency attached by ClinVar (database versions not stated): gnomAD 0.00003; gnomAD exomes 0.00003; ExAC 0.00007.
gnomAD v4.1: 44 of 1,613,018 alleles (0.0027%); highest among the groups gnomAD compares: South Asian, 0.047%; no homozygotes.

Submissions (2):

GeneDx
Classification: Uncertain significance. Last evaluated: 2024-12-26. Review status: criteria provided, single submitter. Criteria: GeneDx Variant Classification Process June 2021. Collection method: clinical testing. Allele origin: germline. Affected: yes.
Comment: In silico analysis indicates that this missense variant does not alter protein structure/function; Has not been previously published as pathogenic or benign to our knowledge; In silico analysis is inconclusive as to whether the variant alters gene splicing; in the absence of RNA/functional studies the actual effect of this sequence change is unknown

Labcorp Genetics (formerly Invitae), Labcorp
Classification: Benign. Last evaluated: 2023-04-22. Review status: criteria provided, single submitter. Criteria: Invitae Variant Classification Sherloc (09022015). Collection method: clinical testing. Allele origin: germline.